The following is an entry in ClinVar:

NM_014679.5(CEP57):c.989T>C (p.Ile330Thr)

Gene: CEP57 (centrosomal protein 57; plus strand). Cytogenetic location: 11q21.
Variant type: single nucleotide variant.
Coding change: c.989T>C on transcript NM_014679.5 (MANE Select); coding-DNA position 989, T replaced by C.
Protein change: p.Ile330Thr; replaces isoleucine 330 with threonine.
Molecular consequence: missense variant.
Genome position (GRCh38, 1-based): chr11:95,827,889, T>C. VCF-style: chr11-95827889-T-C. GRCh37 (hg19) VCF-style: chr11-95561053-T-C.
Other names: c.962T>C, p.Ile321Thr (NM_001243776.2); c.911T>C, p.Ile304Thr (NM_001243777.2); c.908T>C, p.Ile303Thr (NM_001363604.2, NM_001440869.1, NM_001440870.1); c.881T>C, p.Ile294Thr (NM_001440871.1); c.872T>C, p.Ile291Thr (NM_001440872.1); c.809T>C, p.Ile270Thr (NM_001440873.1); c.803T>C, p.Ile268Thr (NM_001440874.1); c.800T>C, p.Ile267Thr (NM_001440875.1); and 6 more; short protein forms I231T, I255T, I330T, I229T, I243T, I264T, I270T, I321T.
Identifiers: ClinVar variation 4845108 (VCV004845108.1).

ClinVar aggregate classification (germline): Uncertain significance (1 of 4 stars; one submission).

Conditions:
Inborn genetic diseases. Identifiers: MedGen C0950123, MeSH D030342.

gnomAD v4.1: 3 of 1,614,162 alleles (0.00019%); highest among the groups gnomAD compares: South Asian, 0.0022%; no homozygotes.

Submission:

Ambry Genetics
Classification: Uncertain significance for Inborn genetic diseases. Last evaluated: 2026-02-21. Review status: criteria provided, single submitter. Criteria: Ambry Variant Classification Scheme 2023. Collection method: clinical testing. Allele origin: germline.
Comment: The p.I330T variant (also known as c.989T>C), located in coding exon 9 of the CEP57 gene, results from a T to C substitution at nucleotide position 989. The isoleucine at codon 330 is replaced by threonine, an amino acid with similar properties. This amino acid position is conserved. In addition, this alteration is predicted to be tolerated by in silico analysis. Based on the available evidence, the clinical significance of this variant remains unclear.